The following is an entry in ClinVar:

ClinVar aggregate classification (germline): Conflicting classifications of pathogenicity. Review status: criteria provided, conflicting classifications (1 of 4 stars). 5 submissions from 5 submitters: Uncertain significance (2); Likely benign (3). Last evaluated 2026-04-07.

Conditions:
DNMT1-related disorder. Also called: DNMT1-related condition. Identifiers: MedGen CN381527.
Inborn genetic diseases. Identifiers: MedGen C0950123, MeSH D030342.
Hereditary sensory neuropathy-deafness-dementia syndrome. Also called: HSN IE; Hereditary Sensory and Autonomic Neuropathy Type 1E (HSAN1E); Hereditary sensory neuropathy type IE; NEUROPATHY, HEREDITARY SENSORY, WITH HEARING LOSS AND DEMENTIA. Identifiers: Orphanet 456318, MedGen C3279885, MONDO:0013584, OMIM 614116.
Autosomal dominant cerebellar ataxia, deafness and narcolepsy. Also called: Autosomal Dominant Cerebellar Ataxia, Deafness, and Narcolepsy (ADCA-DN). Identifiers: Orphanet 314404, MedGen C4302668, MONDO:0011397, OMIM 604121.

Allele frequency attached by ClinVar (database versions not stated): ExAC 0.00006; gnomAD exomes 0.00006; gnomAD 0.00010; ESP Exome Variant Server 0.00015; 1000 Genomes Project 0.00020; TOPMed 0.00025; 1000 Genomes Project 30x 0.00031.
gnomAD v4.1: 52 of 1,614,192 alleles (0.0032%); highest among the groups gnomAD compares: African/African-American, 0.059%; no homozygotes.

Submissions (5):

PreventionGenetics, part of Exact Sciences
Classification: Likely benign for DNMT1-related condition. Last evaluated: 2026-04-07. Review status: criteria provided, single submitter. Criteria: ACMG Guidelines, 2015. Collection method: clinical testing. Allele origin: germline.
Comment: This variant is classified as likely benign based on ACMG/AMP sequence variant interpretation guidelines (Richards et al. 2015 PMID: 25741868, with internal and published modifications).

Labcorp Genetics (formerly Invitae), Labcorp
Classification: Likely benign for Hereditary sensory neuropathy-deafness-dementia syndrome. Last evaluated: 2025-09-19. Review status: criteria provided, single submitter. Criteria: Invitae Variant Classification Sherloc (09022015). Collection method: clinical testing. Allele origin: germline.

Fulgent Genetics
Classification: Uncertain significance for Autosomal dominant cerebellar ataxia, deafness and narcolepsy; Hereditary sensory neuropathy-deafness-dementia syndrome. Last evaluated: 2021-11-10. Review status: criteria provided, single submitter. Criteria: ACMG Guidelines, 2015. Collection method: clinical testing. Allele origin: unknown.

Ambry Genetics
Classification: Likely benign for Inborn genetic diseases. Last evaluated: 2020-12-14. Review status: criteria provided, single submitter. Criteria: Ambry Variant Classification Scheme 2023. Collection method: clinical testing. Allele origin: germline.

GeneDx
Classification: Uncertain significance. Last evaluated: 2016-05-11. Review status: criteria provided, single submitter. Criteria: GeneDx Variant Classification (06012015). Collection method: clinical testing. Allele origin: germline. Affected: yes.
Comment: The T772N variant has not been published in association with neuropathy to our knowledge. It was not observed with any significant frequency in the 1000 Genomes Project or in approximately 6,500 individuals of European and African American ancestry in the NHLBI Exome Sequencing Project. The T772N variant is a conservative amino acid substitution, which is not likely to impact secondary protein structure as these residues share similar properties. This substitution occurs at a position that is not conserved. In silico analysis predicts this variant likely does not alter the protein structure/function. However, based on the currently available information, it is unclear whether this variant is a pathogenic variant or a rare benign variant.

NM_001130823.3(DNMT1):c.2315C>A (p.Thr772Asn)

Gene: DNMT1 (DNA methyltransferase 1; minus strand). Cytogenetic location: 19p13.2.
Variant type: single nucleotide variant.
Coding change: c.2315C>A on transcript NM_001130823.3 (MANE Select); coding-DNA position 2315, C replaced by A.
Protein change: p.Thr772Asn; replaces threonine 772 with asparagine.
Molecular consequence: missense variant.
Genome position (GRCh38, 1-based): chr19:10,149,919, G>T on the plus strand (C>A on the coding strand, the complement: DNMT1 is on the minus strand). VCF-style: chr19-10149919-G-T. GRCh37 (hg19) VCF-style: chr19-10260595-G-T.
Other names: c.2267C>A, p.Thr756Asn (NM_001318730.2, NM_001379.4); c.1952C>A, p.Thr651Asn (NM_001318731.2); c.2315C>A (NM_001130823.2, LRG_362t1); short protein forms T772N, T651N, T756N.
Identifiers: ClinVar variation 246584 (VCV000246584.12), dbSNP rs142562681, ClinGen allele CA9188081.
Genomic context (GRCh38, chr19:10,149,919, plus strand): 5'-AGATACAGCGGTTTTGAGGAATCATCTGGAATAACAGAGACACAGTCCCCCACTTCCAGG[G>T]TTTCCGCATCAATGCACACCTTCTTATAGTAACTCTTCTTCCCATCAGTCTGAAAATGAG-3'
Protein context (NP_001124295.1, residues 762-782): YYKKVCIDAE[Thr772Asn]LEVGDCVSVI